The following is an entry in ClinVar:

NM_020919.4(ALS2):c.3442C>T (p.Pro1148Ser)

Gene: ALS2 (alsin Rho guanine nucleotide exchange factor ALS2; minus strand). Cytogenetic location: 2q33.1.
Variant type: single nucleotide variant.
Coding change: c.3442C>T on transcript NM_020919.4 (MANE Select); coding-DNA position 3442, C replaced by T.
Protein change: p.Pro1148Ser; replaces proline 1148 with serine.
Molecular consequence: missense variant.
Genome position (GRCh38, 1-based): chr2:201,724,365, G>A on the plus strand (C>T on the coding strand, the complement: ALS2 is on the minus strand). VCF-style: chr2-201724365-G-A. GRCh37 (hg19) VCF-style: chr2-202589088-G-A.
Other names: short protein forms P1148S.
Identifiers: ClinVar variation 863377 (VCV000863377.9), dbSNP rs771334830, ClinGen allele CA2057880.

ClinVar aggregate classification (germline): Uncertain significance. Review status: criteria provided, multiple submitters, no conflicts (2 of 4 stars). 2 submissions from 2 submitters: Uncertain significance (2). Last evaluated 2023-12-15.

Conditions:
Infantile-onset ascending hereditary spastic paralysis (IAHSP). Also called: Autosomal Recessive Juvenile Amyotrophic Lateral Sclerosis; Infantile-Onset Ascending Hereditary Spastic Paralysis (IAHSP). Identifiers: Orphanet 293168, MedGen C2931441, MONDO:0011797, OMIM 607225. Disease mechanism: loss of function.
Inborn genetic diseases. Identifiers: MedGen C0950123, MeSH D030342.

Allele frequency attached by ClinVar (database versions not stated): ExAC 0.00001; gnomAD 0.00001 and 0.00002; gnomAD exomes 0.00001 and 0.00002; TOPMed 0.00005.
gnomAD v4.1: 16 of 1,613,724 alleles (0.00099%); highest among the groups gnomAD compares: Admixed American, 0.0017%; no homozygotes.

Submissions (2):

Ambry Genetics
Classification: Uncertain significance for Inborn genetic diseases. Last evaluated: 2023-12-15. Review status: criteria provided, single submitter. Criteria: Ambry Variant Classification Scheme 2023. Collection method: clinical testing. Allele origin: germline.

Labcorp Genetics (formerly Invitae), Labcorp
Classification: Uncertain significance for Infantile-onset ascending hereditary spastic paralysis. Last evaluated: 2022-10-03. Review status: criteria provided, single submitter. Criteria: Invitae Variant Classification Sherloc (09022015). Collection method: clinical testing. Allele origin: germline.
Comment: ClinVar contains an entry for this variant (Variation ID: 863377). This sequence change replaces proline, which is neutral and non-polar, with serine, which is neutral and polar, at codon 1148 of the ALS2 protein (p.Pro1148Ser). The frequency data for this variant in the population databases is considered unreliable, as metrics indicate poor data quality at this position in the gnomAD database. This variant has not been reported in the literature in individuals affected with ALS2-related conditions. Advanced modeling of protein sequence and biophysical properties (such as structural, functional, and spatial information, amino acid conservation, physicochemical variation, residue mobility, and thermodynamic stability) performed at Invitae indicates that this missense variant is not expected to disrupt ALS2 protein function. In summary, the available evidence is currently insufficient to determine the role of this variant in disease. Therefore, it has been classified as a Variant of Uncertain Significance.